The following is an entry in ClinVar:

ClinVar aggregate classification (germline): Uncertain significance (1 of 4 stars; one submission).

Allele frequency attached by ClinVar (database versions not stated): TOPMed below 0.00001; gnomAD exomes 0.00001.
gnomAD v4.1: 8 of 1,613,004 alleles (0.0005%); highest among the groups gnomAD compares: Non-Finnish European, 0.00068%; no homozygotes.

Submission:

Labcorp Genetics (formerly Invitae), Labcorp
Classification: Uncertain significance. Last evaluated: 2022-07-30. Review status: criteria provided, single submitter. Criteria: Invitae Variant Classification Sherloc (09022015). Collection method: clinical testing. Allele origin: germline.
Comment: This sequence change replaces glycine, which is neutral and non-polar, with alanine, which is neutral and non-polar, at codon 1078 of the SKIV2L protein (p.Gly1078Ala). This variant is present in population databases (rs747485797, gnomAD 0.0009%). This variant has not been reported in the literature in individuals affected with SKIV2L-related conditions. Algorithms developed to predict the effect of missense changes on protein structure and function (SIFT, PolyPhen-2, Align-GVGD) all suggest that this variant is likely to be disruptive. In summary, the available evidence is currently insufficient to determine the role of this variant in disease. Therefore, it has been classified as a Variant of Uncertain Significance.

NM_006929.5(SKIC2):c.3233G>C (p.Gly1078Ala)

Gene: SKIC2 (SKI2 subunit of superkiller complex; plus strand). Cytogenetic location: 6p21.33.
Variant type: single nucleotide variant.
Coding change: c.3233G>C on transcript NM_006929.5 (MANE Select); coding-DNA position 3233, G replaced by C.
Protein change: p.Gly1078Ala; replaces glycine 1078 with alanine.
Molecular consequence: missense variant.
Genome position (GRCh38, 1-based): chr6:31,968,923, G>C. VCF-style: chr6-31968923-G-C. GRCh37 (hg19) VCF-style: chr6-31936700-G-C.
Other names: short protein forms G1078A.
Identifiers: ClinVar variation 2122949 (VCV002122949.1), dbSNP rs747485797, ClinGen allele CA136913999.